The following is an entry in ClinVar:

NM_000487.6(ARSA):c.979+8C>T

Gene: ARSA (arylsulfatase A; minus strand). Cytogenetic location: 22q13.33.
Variant type: single nucleotide variant.
Coding change: c.979+8C>T on transcript NM_000487.6 (MANE Select); 8 bases into the intron after coding-DNA position 979, C replaced by T.
Molecular consequence: intron variant.
Genome position (GRCh38, 1-based): chr22:50,626,146, G>A on the plus strand (C>T on the coding strand, the complement: ARSA is on the minus strand). VCF-style: chr22-50626146-G-A. GRCh37 (hg19) VCF-style: chr22-51064574-G-A.
Other names: c.721+8C>T (NM_001362782.2, NM_001085428.3); c.979+8C>T (NM_001085427.3, NM_001085426.3, NM_001085425.3).
Identifiers: ClinVar variation 1028785 (VCV001028785.11), dbSNP rs746862304, ClinGen allele CA10324861.

ClinVar aggregate classification (germline): Conflicting classifications of pathogenicity. Review status: criteria provided, conflicting classifications (1 of 4 stars). 2 submissions from 2 submitters: Uncertain significance (1); Likely benign (1). Last evaluated 2026-01-14.

Conditions:
Metachromatic leukodystrophy (MLD). Also called: METACHROMATIC LEUKOENCEPHALOPATHY; Cerebral sclerosis diffuse metachromatic form; SULFATIDE LIPIDOSIS; ARSA DEFICIENCY; CEREBROSIDE SULFATASE DEFICIENCY; Arylsulfatase A Deficiency. Identifiers: Orphanet 512, MedGen C0023522, MONDO:0018868, OMIM 250100.

Allele frequency attached by ClinVar (database versions not stated): gnomAD 0.00001 and 0.00002; TOPMed 0.00001; gnomAD exomes 0.00003 and 0.00004; ExAC 0.00006.

Submissions (2):

Labcorp Genetics (formerly Invitae), Labcorp
Classification: Likely benign for Metachromatic leukodystrophy. Last evaluated: 2026-01-14. Review status: criteria provided, single submitter. Criteria: Invitae Variant Classification Sherloc (09022015). Collection method: clinical testing. Allele origin: germline.

Baylor Genetics
Classification: Uncertain significance for Metachromatic leukodystrophy. Last evaluated: 2020-01-17. Review status: criteria provided, single submitter. Criteria: ACMG Guidelines, 2015. Collection method: clinical testing. Allele origin: unknown. Affected: yes.
Comment: This variant was determined to be of uncertain significance according to ACMG Guidelines, 2015 [PMID:25741868].